The following is an entry in ClinVar:

ClinVar aggregate classification (germline): Likely benign (1 of 4 stars; one submission).

Conditions:
TUBGCP2-related disorder. Also called: TUBGCP2-related condition.

Submission:

PreventionGenetics, part of Exact Sciences
Classification: Likely benign for TUBGCP2-related condition. Last evaluated: 2025-04-07. Review status: criteria provided, single submitter. Criteria: ACMG Guidelines, 2015. Collection method: clinical testing. Allele origin: germline.
Comment: This variant is classified as likely benign based on ACMG/AMP sequence variant interpretation guidelines (Richards et al. 2015 PMID: 25741868, with internal and published modifications).

NM_006659.4(TUBGCP2):c.534A>C (p.Pro178=)

Gene: TUBGCP2 (tubulin gamma complex component 2; minus strand). Cytogenetic location: 10q26.3.
Variant type: single nucleotide variant.
Coding change: c.534A>C on transcript NM_006659.4 (MANE Select); coding-DNA position 534, A replaced by C.
Protein change: p.Pro178=; no amino-acid change (proline 178 retained).
Molecular consequence: synonymous variant. On other transcripts: non-coding transcript variant (1).
Genome position (GRCh38, 1-based): chr10:133,298,034, T>G on the plus strand (A>C on the coding strand, the complement: TUBGCP2 is on the minus strand). VCF-style: chr10-133298034-T-G. GRCh37 (hg19) VCF-style: chr10-135111538-T-G.
Other names: c.534A>C, p.Pro178= (NM_001256617.2); c.144A>C, p.Pro48= (NM_001256618.2).
Identifiers: ClinVar variation 4997780 (VCV004997780.1).